The following is an entry in ClinVar:

ClinVar aggregate classification (germline): Uncertain significance (1 of 4 stars; one submission).

Submission:

Ambry Genetics
Classification: Uncertain significance. Last evaluated: 2024-12-08. Review status: criteria provided, single submitter. Criteria: Ambry Variant Classification Scheme 2023. Collection method: clinical testing. Allele origin: germline.
Comment: The p.P1313S variant (also known as c.3937C>T), located in coding exon 14 of the CDK12 gene, results from a C to T substitution at nucleotide position 3937. The proline at codon 1313 is replaced by serine, an amino acid with similar properties. This amino acid position is conserved. In addition, this alteration is predicted to be tolerated by in silico analysis. Based on the available evidence, the clinical significance of this variant remains unclear.

NM_016507.4(CDK12):c.3937C>T (p.Pro1313Ser)

Gene: CDK12 (cyclin dependent kinase 12; plus strand). Cytogenetic location: 17q12.
Variant type: single nucleotide variant.
Coding change: c.3937C>T on transcript NM_016507.4 (MANE Select); coding-DNA position 3937, C replaced by T.
Protein change: p.Pro1313Ser; replaces proline 1313 with serine.
Molecular consequence: missense variant.
Genome position (GRCh38, 1-based): chr17:39,530,780, C>T. VCF-style: chr17-39530780-C-T. GRCh37 (hg19) VCF-style: chr17-37687033-C-T.
Other names: c.3910C>T, p.Pro1304Ser (NM_015083.4); short protein forms P1304S, P1313S.
Identifiers: ClinVar variation 3489387 (VCV003489387.1).